The following is an entry in ClinVar:

ClinVar aggregate classification (germline): Uncertain significance (1 of 4 stars; one submission).

Allele frequency attached by ClinVar (database versions not stated): gnomAD exomes below 0.00001.
gnomAD v4.1: 1 of 1,614,172 alleles (0.000062%); highest among the groups gnomAD compares: Non-Finnish European, 0.000085%; no homozygotes.

Submission:

Labcorp Genetics (formerly Invitae), Labcorp
Classification: Uncertain significance. Last evaluated: 2019-12-06. Review status: criteria provided, single submitter. Criteria: Invitae Variant Classification Sherloc (09022015). Collection method: clinical testing. Allele origin: germline.
Comment: This sequence change replaces aspartic acid with tyrosine at codon 430 of the ACO2 protein (p.Asp430Tyr). The aspartic acid residue is highly conserved and there is a large physicochemical difference between aspartic acid and tyrosine. This variant is not present in population databases (ExAC no frequency). This variant has not been reported in the literature in individuals with ACO2-related conditions. Algorithms developed to predict the effect of missense changes on protein structure and function (SIFT, PolyPhen-2, Align-GVGD) all suggest that this variant is likely to be disruptive, but these predictions have not been confirmed by published functional studies and their clinical significance is uncertain. Algorithms developed to predict the effect of sequence changes on RNA splicing suggest that this variant may create or strengthen a splice site, but this prediction has not been confirmed by published transcriptional studies. In summary, the available evidence is currently insufficient to determine the role of this variant in disease. Therefore, it has been classified as a Variant of Uncertain Significance.

NM_001098.3(ACO2):c.1288G>T (p.Asp430Tyr)

Gene: ACO2 (aconitase 2; plus strand). Cytogenetic location: 22q13.2.
Variant type: single nucleotide variant.
Coding change: c.1288G>T on transcript NM_001098.3 (MANE Select); coding-DNA position 1288, G replaced by T.
Protein change: p.Asp430Tyr; replaces aspartic acid 430 with tyrosine.
Molecular consequence: missense variant.
Genome position (GRCh38, 1-based): chr22:41,522,979, G>T. VCF-style: chr22-41522979-G-T. GRCh37 (hg19) VCF-style: chr22-41918983-G-T.
Other names: short protein forms D430Y.
Identifiers: ClinVar variation 838152 (VCV000838152.9), dbSNP rs2066538908, ClinGen allele CA411725247.